The following is an entry in ClinVar:

NM_000321.3(RB1):c.905C>A (p.Ser302Tyr)

Gene: RB1 (RB transcriptional corepressor 1; plus strand). Cytogenetic location: 13q14.2.
Variant type: single nucleotide variant.
Coding change: c.905C>A on transcript NM_000321.3 (MANE Select); coding-DNA position 905, C replaced by A.
Protein change: p.Ser302Tyr; replaces serine 302 with tyrosine.
Molecular consequence: missense variant.
Genome position (GRCh38, 1-based): chr13:48,364,937, C>A. VCF-style: chr13-48364937-C-A. GRCh37 (hg19) VCF-style: chr13-48939073-C-A.
Other names: short protein forms S302Y.
Identifiers: ClinVar variation 458187 (VCV000458187.18), dbSNP rs1208736713, ClinGen allele CA388159994.

ClinVar aggregate classification (germline): Conflicting classifications of pathogenicity. Review status: criteria provided, conflicting classifications (1 of 4 stars). 6 submissions from 6 submitters: Uncertain significance (5); Likely benign (1). Last evaluated 2025-10-23.

Conditions:
Hereditary cancer-predisposing syndrome. Also called: Neoplastic Syndromes, Hereditary; Tumor predisposition; Hereditary Cancer Syndrome; Hereditary neoplastic syndrome. Identifiers: Orphanet 140162, MedGen C0027672, MeSH D009386, MONDO:0015356.
Malignant tumor of urinary bladder. Also called: Urinary Bladder Neoplasms; Bladder cancer; Urinary bladder cancer. Identifiers: MedGen C0005684, MONDO:0001187, OMIM 109800.
Small cell lung carcinoma. Also called: Lung oat cell carcinoma; Small cell lung cancer; SMALL CELL CANCER OF THE LUNG, SOMATIC. Identifiers: Orphanet 70573, MedGen C0149925, MeSH D055752, MONDO:0008433, OMIM 182280, HP:0030357.
Retinoblastoma (RB1). Also called: RETINOBLASTOMA, SOMATIC. Identifiers: Orphanet 790, MedGen C0035335, MeSH D012175, MONDO:0008380, OMIM 180200, HP:0009919. Disease mechanism: loss of function. Inheritance: Both sporadic and heritable forms are tested..
Bone osteosarcoma. Also called: Osteosarcoma, somatic. Identifiers: Orphanet 668, MedGen C0585442, MONDO:0002629, OMIM 259500.

Allele frequency attached by ClinVar (database versions not stated): TOPMed below 0.00001.
gnomAD v4.1: 5 of 1,570,586 alleles (0.00032%); highest among the groups gnomAD compares: Non-Finnish European, 0.00043%; no homozygotes.

Submissions (6):

Labcorp Genetics (formerly Invitae), Labcorp
Classification: Likely benign for Retinoblastoma. Last evaluated: 2025-10-23. Review status: criteria provided, single submitter. Criteria: Invitae Variant Classification Sherloc (09022015). Collection method: clinical testing. Allele origin: germline.

GeneDx
Classification: Uncertain significance. Last evaluated: 2025-06-04. Review status: criteria provided, single submitter. Criteria: GeneDx Variant Classification Process June 2021. Collection method: clinical testing. Allele origin: germline. Affected: yes.
Comment: Not observed at significant frequency in large population cohorts (gnomAD); In silico analysis suggests that this missense variant does not alter protein structure/function; Has not been previously published as pathogenic or benign to our knowledge; This variant is associated with the following publications: (PMID: 23516486)

St. Jude Molecular Pathology, St. Jude Children's Research Hospital
Classification: Uncertain significance for Retinoblastoma. Last evaluated: 2024-12-10. Review status: criteria provided, single submitter. Criteria: St. Jude Assertion Criteria 2020. Collection method: clinical testing. Allele origin: germline.
Comment: The RB1 c.905C>A (p.Ser302Tyr) missense change is absent in gnomAD v2.1.1. The in silico tool REVEL predicts a deleterious effect on protein function, but to our knowledge this prediction has not been confirmed by functional studies. To our knowledge, this variant has not been reported in individuals with retinoblastoma. In summary, the evidence currently available is insufficient to determine the clinical significance of this variant. It has therefore been classified as of uncertain significance.

Ambry Genetics
Classification: Uncertain significance for Hereditary cancer-predisposing syndrome. Last evaluated: 2024-02-28. Review status: criteria provided, single submitter. Criteria: Ambry Variant Classification Scheme 2023. Collection method: clinical testing. Allele origin: germline.
Comment: The p.S302Y variant (also known as c.905C>A), located in coding exon 9 of the RB1 gene, results from a C to A substitution at nucleotide position 905. The serine at codon 302 is replaced by tyrosine, an amino acid with dissimilar properties. This variant has been detected in multiple individuals with no reported features of RB1-associated disease (Ambry internal data). This amino acid position is highly conserved in available vertebrate species. In addition, this alteration is predicted to be deleterious by in silico analysis. Since supporting evidence is limited at this time, the clinical significance of this alteration remains unclear.

Fulgent Genetics
Classification: Uncertain significance for Malignant tumor of urinary bladder; Retinoblastoma; Small cell lung carcinoma; Bone osteosarcoma. Last evaluated: 2024-01-22. Review status: criteria provided, single submitter. Criteria: ACMG Guidelines, 2015. Collection method: clinical testing. Allele origin: germline.

All of Us Research Program, National Institutes of Health
Classification: Uncertain significance for Retinoblastoma. Last evaluated: 2023-06-26. Review status: criteria provided, single submitter. Criteria: ACMG Guidelines, 2015. Collection method: clinical testing. Allele origin: germline. Inheritance: Autosomal dominant inheritance. Observed: 2 variant alleles, 2 heterozygotes.
Comment: This missense variant replaces serine with tyrosine at codon 302 of the RB1 protein. Computational prediction suggests that this variant may have deleterious impact on protein structure and function (internally defined REVEL score threshold >= 0.7, PMID: 27666373). To our knowledge, functional studies have not been reported for this variant. This variant has not been reported in individuals affected with RB1-related disorders in the literature. This variant has not been identified in the general population by the Genome Aggregation Database (gnomAD). The available evidence is insufficient to determine the role of this variant in disease conclusively. Therefore, this variant is classified as a Variant of Uncertain Significance.

This study involves interpretation of variants in research participants for the purpose of population health screening. Participant phenotype was not available at the time of variant classification. Additional details can be found in publication PMID: 35346344, PMCID: PMC8962531